The following is an entry in ClinVar:

ClinVar aggregate classification (germline): Uncertain significance (0 of 4 stars; one submission).

Conditions:
TENM4-related disorder. Also called: TENM4-related condition.

Submissions (9):

PreventionGenetics, part of Exact Sciences
Classification: Uncertain significance for TENM4-related condition. Last evaluated: 2023-12-19. Review status: no assertion criteria provided. Collection method: clinical testing. Allele origin: germline.
Comment: The TENM4 c.1084+2T>A variant is predicted to disrupt the GT donor site and interfere with normal splicing. To our knowledge, this variant has not been reported in the literature or in a large population database, indicating this variant is rare. At this time, the clinical significance of this variant is uncertain due to the absence of conclusive functional and genetic evidence.

Dr. Peter K. Rogan Lab, Western University
No classification provided (evidence only). Condition: Ovarian serous cystadenocarcinoma. Review status: no classification provided. Collection method: in vitro. Allele origin: not applicable. Functional consequence: retained intron. Not counted in ClinVar's aggregate classification.

Dr. Peter K. Rogan Lab, Western University
No classification provided (evidence only). Condition: Ovarian serous cystadenocarcinoma. Review status: no classification provided. Collection method: in vitro. Allele origin: not applicable. Functional consequence: retained intron. Not counted in ClinVar's aggregate classification.

Dr. Peter K. Rogan Lab, Western University
No classification provided (evidence only). Condition: Ovarian serous cystadenocarcinoma. Review status: no classification provided. Collection method: in vitro. Allele origin: not applicable. Functional consequence: retained intron. Not counted in ClinVar's aggregate classification.

Dr. Peter K. Rogan Lab, Western University
No classification provided (evidence only). Condition: Ovarian serous cystadenocarcinoma. Review status: no classification provided. Collection method: in vitro. Allele origin: not applicable. Functional consequence: retained intron. Not counted in ClinVar's aggregate classification.

Dr. Peter K. Rogan Lab, Western University
No classification provided (evidence only). Condition: Ovarian serous cystadenocarcinoma. Review status: no classification provided. Collection method: in vitro. Allele origin: not applicable. Functional consequence: retained intron. Not counted in ClinVar's aggregate classification.

Dr. Peter K. Rogan Lab, Western University
No classification provided (evidence only). Condition: Ovarian serous cystadenocarcinoma. Review status: no classification provided. Collection method: in vitro. Allele origin: not applicable. Functional consequence: retained intron. Not counted in ClinVar's aggregate classification.

Dr. Peter K. Rogan Lab, Western University
No classification provided (evidence only). Condition: Ovarian serous cystadenocarcinoma. Review status: no classification provided. Collection method: in vitro. Allele origin: not applicable. Functional consequence: retained intron. Not counted in ClinVar's aggregate classification.

Dr. Peter K. Rogan Lab, Western University
No classification provided (evidence only). Condition: Ovarian serous cystadenocarcinoma. Review status: no classification provided. Collection method: in vitro. Allele origin: not applicable. Functional consequence: retained intron. Not counted in ClinVar's aggregate classification.

NM_001098816.3(TENM4):c.1084+2T>A

Gene: TENM4 (teneurin transmembrane protein 4; minus strand). Cytogenetic location: 11q14.1.
Variant type: single nucleotide variant.
Coding change: c.1084+2T>A on transcript NM_001098816.3 (MANE Select); the canonical splice donor site of the intron after coding-DNA position 1084, T replaced by A.
Molecular consequence: splice donor variant.
Genome position (GRCh38, 1-based): chr11:78,889,783, A>T on the plus strand (T>A on the coding strand, the complement: TENM4 is on the minus strand). VCF-style: chr11-78889783-A-T. GRCh37 (hg19) VCF-style: chr11-78600828-A-T.
Other names: NC_000011.9:g.78600828A>T.
Identifiers: ClinVar variation 3030093 (VCV003030093.3), dbSNP rs2496387394, ClinGen allele CA382183044.